The following is an entry in ClinVar:

NM_000383.4(AIRE):c.1193del (p.Pro398fs)

Gene: AIRE (autoimmune regulator; plus strand). Cytogenetic location: 21q22.3.
Variant type: Deletion.
Coding change: c.1193del on transcript NM_000383.4 (MANE Select); coding-DNA position 1193, one base deleted (C; older notation c.1193delC).
Protein change: p.Pro398fs; shifts the reading frame from proline 398.
Molecular consequence: frameshift variant.
Genome position (GRCh38, 1-based): chr21:44,293,090, C deleted; the last of 2 consecutive C bases (chr21:44,293,089-44,293,090); deleting either gives the same sequence. VCF-style (leftmost placement, unchanged base first): chr21-44293088-GC-G. GRCh37 (hg19) VCF-style: chr21-45712971-GC-G.
Other names: c.1193del (NM_000383.3); c.1193delC (NM_000383.3); c.1192delC (NM_000383.4); short protein forms P398fs.
Identifiers: ClinVar variation 551697 (VCV000551697.9), dbSNP rs1555872988, ClinGen allele CA658824364.

ClinVar aggregate classification (germline): Pathogenic. Review status: criteria provided, multiple submitters, no conflicts (2 of 4 stars). 4 submissions from 4 submitters: Pathogenic (3). 1 of the submissions does not count toward it. Last evaluated 2024-09-29.

Conditions:
Polyglandular autoimmune syndrome, type 1 (APS1). Also called: APS I; HYPOADRENOCORTICISM WITH HYPOPARATHYROIDISM AND SUPERFICIAL MONILIASIS; AUTOIMMUNE POLYENDOCRINE SYNDROME, TYPE I, WITH OR WITHOUT REVERSIBLE METAPHYSEAL DYSPLASIA; Whitaker syndrome; Autoimmune polyendocrinopathy syndrome, type I; PGA I. Identifiers: Orphanet 3453, MedGen C0085859, MONDO:0009411, OMIM 240300.

Submissions (4):

Natera, Inc.
Classification: Pathogenic for Polyglandular autoimmune syndrome type 1. Last evaluated: 2024-09-29. Review status: criteria provided, single submitter. Criteria: Natera Variant Classification Schema (03/2026). Collection method: clinical testing. Allele origin: germline.
Comment: The c.1193del variant in AIRE is a frameshift variant predicted to shift the reading frame beginning at codon 398 and leads to a stop codon 82 codons downstream. This variant is expected to result in nonsense mediated decay, truncation, or a dysfunctional protein product. This variant is rare in the general population with a frequency below the threshold expected for the associated phenotype(s). This variant has been observed in one or more individuals affected with the associated recessive disease, as either homozygous or compound heterozygous with a second variant (PMID: 38605470). Given the available evidence, this variant is classified as Pathogenic.

Labcorp Genetics (formerly Invitae), Labcorp
Classification: Pathogenic for Polyglandular autoimmune syndrome, type 1. Last evaluated: 2023-12-25. Review status: criteria provided, single submitter. Criteria: Invitae Variant Classification Sherloc (09022015). Collection method: clinical testing. Allele origin: germline.
Comment: This sequence change creates a premature translational stop signal (p.Pro398Argfs*82) in the AIRE gene. It is expected to result in an absent or disrupted protein product. Loss-of-function variants in AIRE are known to be pathogenic (PMID: 11524731, 26141571). This variant is not present in population databases (gnomAD no frequency). This premature translational stop signal has been observed in individual(s) with autosomal recessive autoimmune polyendocrinopathy with candidiasis and ectodermal dysplasia (PMID: 9398840, 10677297, 26114819). This variant is also known as 1313delC. ClinVar contains an entry for this variant (Variation ID: 551697). For these reasons, this variant has been classified as Pathogenic.

Genomic Medicine Center of Excellence, King Faisal Specialist Hospital and Research Centre
Classification: Pathogenic for Polyglandular autoimmune syndrome, type 1. Last evaluated: 2023-05-08. Review status: criteria provided, single submitter. Criteria: ACMG Guidelines, 2015. Collection method: research. Allele origin: germline. Affected: yes.

Counsyl
Classification: Pathogenic for Polyglandular autoimmune syndrome, type 1. Last evaluated: 2017-05-01. Review status: no assertion criteria provided. Collection method: clinical testing. Allele origin: unknown. Not counted in ClinVar's aggregate classification.

Literature cited by the submitters: PubMed 38605470 (cited by Natera, Inc.); PubMed 11524731 (cited by Labcorp Genetics (formerly Invitae), Labcorp); PubMed 26141571 (cited by Labcorp Genetics (formerly Invitae), Labcorp); PubMed 9398840 (cited by Labcorp Genetics (formerly Invitae), Labcorp); PubMed 10677297 (cited by Labcorp Genetics (formerly Invitae), Labcorp and Counsyl); PubMed 26114819 (cited by Labcorp Genetics (formerly Invitae), Labcorp and Counsyl); PubMed 20453472 (cited by Counsyl).